The following is an entry in ClinVar:

ClinVar aggregate classification (germline): Uncertain significance (1 of 4 stars; one submission).

Submission:

GeneDx
Classification: Uncertain significance. Last evaluated: 2024-04-30. Review status: criteria provided, single submitter. Criteria: GeneDx Variant Classification Process June 2021. Collection method: clinical testing. Allele origin: germline. Affected: yes.
Comment: Not observed at significant frequency in large population cohorts (gnomAD); In silico analysis indicates that this missense variant does not alter protein structure/function; Has not been previously published as pathogenic or benign to our knowledge

NM_000552.5(VWF):c.3439A>G (p.Asn1147Asp)

Gene: VWF (von Willebrand factor; minus strand). Cytogenetic location: 12p13.31.
Variant type: single nucleotide variant.
Coding change: c.3439A>G on transcript NM_000552.5 (MANE Select); coding-DNA position 3439, A replaced by G.
Protein change: p.Asn1147Asp; replaces asparagine 1147 with aspartic acid.
Molecular consequence: missense variant.
Genome position (GRCh38, 1-based): chr12:6,022,839, T>C on the plus strand (A>G on the coding strand, the complement: VWF is on the minus strand). VCF-style: chr12-6022839-T-C. GRCh37 (hg19) VCF-style: chr12-6132005-T-C.
Other names: short protein forms N1147D.
Identifiers: ClinVar variation 3373203 (VCV003373203.1).